The following is an entry in ClinVar:

NM_001378183.1(PIEZO2):c.6648C>T (p.Ser2216=)

Gene: PIEZO2 (piezo type mechanosensitive ion channel component 2; minus strand). Cytogenetic location: 18p11.22.
Variant type: single nucleotide variant.
Coding change: c.6648C>T on transcript NM_001378183.1 (MANE Select); coding-DNA position 6648, C replaced by T.
Protein change: p.Ser2216=; no amino-acid change (serine 2216 retained).
Molecular consequence: synonymous variant.
Genome position (GRCh38, 1-based): chr18:10,698,971, G>A on the plus strand (C>T on the coding strand, the complement: PIEZO2 is on the minus strand). VCF-style: chr18-10698971-G-A. GRCh37 (hg19) VCF-style: chr18-10698969-G-A.
Other names: c.6309C>T, p.Ser2103= (NM_022068.4).
Identifiers: ClinVar variation 712133 (VCV000712133.8), dbSNP rs779100246, ClinGen allele CA8892216.

ClinVar aggregate classification (germline): Benign/Likely benign. Review status: criteria provided, multiple submitters, no conflicts (2 of 4 stars). 2 submissions from 2 submitters: Benign (1); Likely benign (1). Last evaluated 2026-06-01.

Allele frequency attached by ClinVar (database versions not stated): gnomAD exomes 0.00007 and 0.00035; ExAC 0.00014; gnomAD 0.00072 and 0.00075; TOPMed 0.00072.
gnomAD v4.1: 200 of 1,536,750 alleles (0.013%); highest among the groups gnomAD compares: Admixed American, 0.34%; 2 homozygotes.

Submissions (2):

CeGaT Center for Human Genetics Tuebingen
Classification: Likely benign. Last evaluated: 2026-06-01. Review status: criteria provided, single submitter. Criteria: CeGaT Center For Human Genetics Tuebingen Variant Classification Criteria Version 2. Collection method: clinical testing. Allele origin: germline. Affected: yes. Observed: 4 variant alleles.
Comment: PIEZO2: BP4, BP7

Labcorp Genetics (formerly Invitae), Labcorp
Classification: Benign. Last evaluated: 2019-12-31. Review status: criteria provided, single submitter. Criteria: Invitae Variant Classification Sherloc (09022015). Collection method: clinical testing. Allele origin: germline.